The following is an entry in ClinVar:

ClinVar aggregate classification (germline): Uncertain significance (1 of 4 stars; one submission).

Submission:

Labcorp Genetics (formerly Invitae), Labcorp
Classification: Uncertain significance. Last evaluated: 2022-02-18. Review status: criteria provided, single submitter. Criteria: Invitae Variant Classification Sherloc (09022015). Collection method: clinical testing. Allele origin: germline.
Comment: In summary, the available evidence is currently insufficient to determine the role of this variant in disease. Therefore, it has been classified as a Variant of Uncertain Significance. Algorithms developed to predict the effect of missense changes on protein structure and function are either unavailable or do not agree on the potential impact of this missense change (SIFT: "Deleterious"; PolyPhen-2: "Not Available"; Align-GVGD: "Class C0"). This variant has not been reported in the literature in individuals affected with CLTC-related conditions. This variant is not present in population databases (gnomAD no frequency). This sequence change replaces aspartic acid, which is acidic and polar, with glycine, which is neutral and non-polar, at codon 931 of the CLTC protein (p.Asp931Gly).

NM_004859.4(CLTC):c.2780A>G (p.Asp927Gly)

Gene: CLTC (clathrin heavy chain; plus strand). Cytogenetic location: 17q23.1.
Variant type: single nucleotide variant.
Coding change: c.2780A>G on transcript NM_004859.4 (MANE Select); coding-DNA position 2780, A replaced by G.
Protein change: p.Asp927Gly; replaces aspartic acid 927 with glycine.
Molecular consequence: missense variant.
Genome position (GRCh38, 1-based): chr17:59,677,172, A>G. VCF-style: chr17-59677172-A-G. GRCh37 (hg19) VCF-style: chr17-57754533-A-G.
Other names: c.2792A>G, p.Asp931Gly (NM_001288653.2); short protein forms D931G, D927G.
Identifiers: ClinVar variation 1962044 (VCV001962044.5), dbSNP rs2509144525, ClinGen allele CA400416241.